The following is an entry in ClinVar:

NM_005188.4(CBL):c.1949_1951del (p.Asn650del)

Gene: CBL (Cbl proto-oncogene; plus strand). Cytogenetic location: 11q23.3.
Variant type: Deletion.
Coding change: c.1949_1951del on transcript NM_005188.4 (MANE Select); coding-DNA positions 1949 to 1951, 3 bases deleted (ATA; older notation c.1949_1951delATA).
Protein change: p.Asn650del; deletes asparagine 650.
Molecular consequence: inframe deletion.
Genome position (GRCh38, 1-based): chr11:119,287,859-119,287,861, ATA deleted; deleting any 3 consecutive bases within chr11:119,287,858-119,287,861 gives the same sequence; the c. name uses the placement nearest the transcript's 3' end. VCF-style (leftmost placement, unchanged base first): chr11-119287857-GAAT-G. GRCh37 (hg19) VCF-style: chr11-119158567-GAAT-G.
Other names: short protein forms N650del.
Identifiers: ClinVar variation 2708868 (VCV002708868.3), dbSNP rs2496956722, ClinGen allele CA2697559057.

ClinVar aggregate classification (germline): Uncertain significance (1 of 4 stars; one submission).

Conditions:
RASopathy. Also called: rasopathies; Noonan spectrum disorder. Identifiers: Orphanet 536391, MedGen C5555857, MONDO:0021060.

Submission:

Labcorp Genetics (formerly Invitae), Labcorp
Classification: Uncertain significance for RASopathy. Last evaluated: 2024-01-11. Review status: criteria provided, single submitter. Criteria: Invitae Variant Classification Sherloc (09022015). Collection method: clinical testing. Allele origin: germline.
Comment: This variant, c.1949_1951del, results in the deletion of 1 amino acid(s) of the CBL protein (p.Asn650del), but otherwise preserves the integrity of the reading frame. This variant is not present in population databases (gnomAD no frequency). This variant has not been reported in the literature in individuals affected with CBL-related conditions. Experimental studies and prediction algorithms are not available or were not evaluated, and the functional significance of this variant is currently unknown. In summary, the available evidence is currently insufficient to determine the role of this variant in disease. Therefore, it has been classified as a Variant of Uncertain Significance.